The following is an entry in ClinVar:

ClinVar aggregate classification (germline): Pathogenic (1 of 4 stars; one submission).

Conditions:
Neurofibromatosis, type 1 (NF1). Also called: Peripheral type neurofibromatosis; VON RECKLINGHAUSEN DISEASE; Neurofibromatosis, type I; NEUROFIBROMATOSIS, TYPE I, SOMATIC. Identifiers: Orphanet 636, MedGen C0027831, MONDO:0018975, OMIM 162200. Disease mechanism: loss of function.

Submission:

Labcorp Genetics (formerly Invitae), Labcorp
Classification: Pathogenic for Neurofibromatosis, type 1. Last evaluated: 2024-04-13. Review status: criteria provided, single submitter. Criteria: Invitae Variant Classification Sherloc (09022015). Collection method: clinical testing. Allele origin: germline.
Comment: This sequence change creates a premature translational stop signal (p.Glu701*) in the NF1 gene. It is expected to result in an absent or disrupted protein product. Loss-of-function variants in NF1 are known to be pathogenic (PMID: 10712197, 23913538). This variant is not present in population databases (gnomAD no frequency). This variant has not been reported in the literature in individuals affected with NF1-related conditions. For these reasons, this variant has been classified as Pathogenic.

Literature cited by the submitters: PubMed 10712197; PubMed 23913538.

NM_001042492.3(NF1):c.2101G>T (p.Glu701Ter)

Gene: NF1 (neurofibromin 1; plus strand). Cytogenetic location: 17q11.2.
Variant type: single nucleotide variant.
Coding change: c.2101G>T on transcript NM_001042492.3 (MANE Select); coding-DNA position 2101, G replaced by T.
Protein change: p.Glu701Ter; replaces glutamic acid 701 with a stop codon.
Molecular consequence: nonsense.
Genome position (GRCh38, 1-based): chr17:31,226,534, G>T. VCF-style: chr17-31226534-G-T. GRCh37 (hg19) VCF-style: chr17-29553552-G-T.
Other names: c.2101G>T, p.Glu701Ter (NM_000267.4); short protein forms E701*.
Identifiers: ClinVar variation 3649795 (VCV003649795.2).